The following is an entry in ClinVar:

ClinVar aggregate classification (germline): Likely benign. Review status: criteria provided, multiple submitters, no conflicts (2 of 4 stars). 3 submissions from 3 submitters: Likely benign (3). Last evaluated 2025-08-13.

Conditions:
Autosomal dominant nonsyndromic hearing loss 20. Identifiers: Orphanet 90635, MedGen C1858172, MONDO:0011480, OMIM 604717.
Baraitser-winter syndrome 2. Identifiers: Orphanet 2995, MedGen C3281235, MONDO:0013812, OMIM 614583.

Allele frequency attached by ClinVar (database versions not stated): TOPMed below 0.00001; gnomAD 0.00002; gnomAD exomes 0.00006; ExAC 0.00012; 1000 Genomes Project 30x 0.00016; 1000 Genomes Project 0.00020.
gnomAD v4.1: 96 of 1,614,068 alleles (0.0059%); highest among the groups gnomAD compares: South Asian, 0.085%; 1 homozygote.

Submissions (3):

Labcorp Genetics (formerly Invitae), Labcorp
Classification: Likely benign for Baraitser-winter syndrome 2; Autosomal dominant nonsyndromic hearing loss 20. Last evaluated: 2025-08-13. Review status: criteria provided, single submitter. Criteria: Invitae Variant Classification Sherloc (09022015). Collection method: clinical testing. Allele origin: germline.

Blueprint Genetics
Classification: Likely benign. Last evaluated: 2023-05-05. Review status: criteria provided, single submitter. Criteria: ACMG Guidelines, 2015. Collection method: clinical testing. Allele origin: germline.

CeGaT Center for Human Genetics Tuebingen
Classification: Likely benign. Last evaluated: 2022-12-01. Review status: criteria provided, single submitter. Criteria: CeGaT Center For Human Genetics Tuebingen Variant Classification Criteria Version 2. Collection method: clinical testing. Allele origin: germline. Affected: yes. Observed: 1 variant allele.
Comment: ACTG1: BP4, BP7

NM_001614.5(ACTG1):c.234C>T (p.Asn78=)

Gene: ACTG1 (actin gamma 1; minus strand). Cytogenetic location: 17q25.3.
Variant type: single nucleotide variant.
Coding change: c.234C>T on transcript NM_001614.5 (MANE Select); coding-DNA position 234, C replaced by T.
Protein change: p.Asn78=; no amino-acid change (asparagine 78 retained).
Molecular consequence: synonymous variant. On other transcripts: non-coding transcript variant (1).
Genome position (GRCh38, 1-based): chr17:81,512,032, G>A on the plus strand (C>T on the coding strand, the complement: ACTG1 is on the minus strand). VCF-style: chr17-81512032-G-A. GRCh37 (hg19) VCF-style: chr17-79479058-G-A.
Other names: c.234C>T, p.Asn78= (NM_001199954.3).
Identifiers: ClinVar variation 2041081 (VCV002041081.29), dbSNP rs553335992, ClinGen allele CA8836304.
Genomic context (GRCh38, chr17:81,512,032, plus strand): 5'-CGGGGCCACGCGCAGCTCGTTGTAGAAGGTGTGGTGCCAGATCTTCTCCATGTCGTCCCA[G>A]TTGGTGACGATGCCATGCTCAATGGGGTACTTCAGGGTCAGGATGCCACGCTTGCTCTGG-3'
Protein context (NP_001605.1, residues 68-88): KYPIEHGIVT[Asn78=]WDDMEKIWHH